The following is an entry in ClinVar:

NM_058004.4(PI4KA):c.2862+5G>T

Gene: PI4KA (phosphatidylinositol 4-kinase alpha; minus strand). Cytogenetic location: 22q11.21.
Variant type: single nucleotide variant.
Coding change: c.2862+5G>T on transcript NM_058004.4 (MANE Select); 5 bases into the intron after coding-DNA position 2862, G replaced by T.
Molecular consequence: intron variant.
Genome position (GRCh38, 1-based): chr22:20,753,105, C>A on the plus strand (G>T on the coding strand, the complement: PI4KA is on the minus strand). VCF-style: chr22-20753105-C-A. GRCh37 (hg19) VCF-style: chr22-21107393-C-A.
Other names: c.2796+5G>T (NM_001362863.2); c.2862+5G>T (NM_001362862.2).
Identifiers: ClinVar variation 5009419 (VCV005009419.1).

ClinVar aggregate classification (germline): Uncertain significance (1 of 4 stars; one submission).

Submission:

GeneDx
Classification: Uncertain significance. Last evaluated: 2026-03-17. Review status: criteria provided, single submitter. Criteria: GeneDx Variant Classification Process June 2021. Collection method: clinical testing. Allele origin: germline.
Comment: Not observed at significant frequency in large population cohorts (gnomAD); In silico analysis supports a deleterious effect on splicing; Has not been previously published as pathogenic or benign to our knowledge